The following is an entry in ClinVar:

ClinVar aggregate classification (germline): Benign (1 of 4 stars; one submission).

Allele frequency attached by ClinVar (database versions not stated): gnomAD exomes 0.01375; gnomAD 0.04526 and 0.04788; TOPMed 0.04828; 1000 Genomes Project 0.08427.
gnomAD v4.1: 10,062 of 405,328 alleles (2.5%); highest among the groups gnomAD compares: African/African-American, 16%; 420 homozygotes.

Submission:

GeneDx
Classification: Benign. Last evaluated: 2018-06-14. Review status: criteria provided, single submitter. Criteria: GeneDx Variant Classification (06012015). Collection method: clinical testing. Allele origin: germline. Affected: yes.
Comment: This variant is considered likely benign or benign based on one or more of the following criteria: it is a conservative change, it occurs at a poorly conserved position in the protein, it is predicted to be benign by multiple in silico algorithms, and/or has population frequency not consistent with disease.

NM_025243.4(SLC19A3):c.1172+273A>G

Gene: SLC19A3 (solute carrier family 19 member 3; minus strand). Cytogenetic location: 2q36.3.
Variant type: single nucleotide variant.
Coding change: c.1172+273A>G on transcript NM_025243.4 (MANE Select); 273 bases into the intron after coding-DNA position 1172, A replaced by G.
Molecular consequence: intron variant.
Genome position (GRCh38, 1-based): chr2:227,695,616, T>C on the plus strand (A>G on the coding strand, the complement: SLC19A3 is on the minus strand). VCF-style: chr2-227695616-T-C. GRCh37 (hg19) VCF-style: chr2-228560332-T-C.
Identifiers: ClinVar variation 673255 (VCV000673255.1), dbSNP rs6721696, ClinGen allele CA66658687.